The following is an entry in ClinVar:

NM_138425.4(C12orf57):c.182del (p.Ile61fs)

Gene: C12orf57 (chromosome 12 open reading frame 57; plus strand). Cytogenetic location: 12p13.31.
Variant type: Deletion.
Coding change: c.182del on transcript NM_138425.4 (MANE Select); coding-DNA position 182, one base deleted (T; older notation c.182delT).
Protein change: p.Ile61fs; shifts the reading frame from isoleucine 61.
Molecular consequence: frameshift variant. On other transcripts: intron variant (1).
Genome position (GRCh38, 1-based): chr12:6,944,605, T deleted. VCF-style (leftmost placement, unchanged base first): chr12-6944604-AT-A. GRCh37 (hg19) VCF-style: chr12-7053767-AT-A.
Other names: c.182del, p.Ile61fs (NM_001301834.1); c.143del, p.Ile48fs (NM_001301836.2); c.77del, p.Ile26fs (NM_001301838.2); c.142+40del (NM_001301837.2); short protein forms I48fs, I61fs, I26fs.
Identifiers: ClinVar variation 802816 (VCV000802816.3), dbSNP rs1591674823, ClinGen allele CA915947882.

ClinVar aggregate classification (germline): Pathogenic. Review status: criteria provided, multiple submitters, no conflicts (2 of 4 stars). 2 submissions from 2 submitters: Pathogenic (2). Last evaluated 2025-10-01.

Conditions:
Temtamy syndrome (TEMTYS). Also called: MENTAL RETARDATION WITH OR WITHOUT CRANIOFACIAL DYSMORPHISM, OCULAR COLOBOMA, OR ABNORMAL CORPUS CALLOSUM. Identifiers: Orphanet 1777, MedGen C1857512, MONDO:0009033, OMIM 218340.

Submissions (2):

Labcorp Genetics (formerly Invitae), Labcorp
Classification: Pathogenic for Temtamy syndrome. Last evaluated: 2025-10-01. Review status: criteria provided, single submitter. Criteria: Invitae Variant Classification Sherloc (09022015). Collection method: clinical testing. Allele origin: germline.
Comment: This sequence change creates a premature translational stop signal (p.Ile61Thrfs*42) in the C12orf57 gene. While this is not anticipated to result in nonsense mediated decay, it is expected to disrupt the last 66 amino acid(s) of the C12orf57 protein. This variant is not present in population databases (gnomAD no frequency). This variant has not been reported in the literature in individuals affected with C12orf57-related conditions. ClinVar contains an entry for this variant (Variation ID: 802816). Algorithms developed to predict the effect of sequence changes on RNA splicing suggest that this variant may disrupt the consensus splice site. This variant disrupts a region of the C12orf57 protein in which other variant(s) (p.Gln62*) have been determined to be pathogenic (PMID: 24798461). This suggests that this is a clinically significant region of the protein, and that variants that disrupt it are likely to be disease-causing. For these reasons, this variant has been classified as Pathogenic.

Mendelics
Classification: Pathogenic for Temtamy syndrome. Last evaluated: 2019-05-28. Review status: criteria provided, single submitter. Criteria: Mendelics Assertion Criteria 2017. Collection method: clinical testing. Allele origin: unknown.

Literature cited by the submitters: PubMed 24798461 (cited by Labcorp Genetics (formerly Invitae), Labcorp).